The following is an entry in ClinVar:

ClinVar aggregate classification (germline): Uncertain significance (1 of 4 stars; one submission).

Submission:

Labcorp Genetics (formerly Invitae), Labcorp
Classification: Uncertain significance. Last evaluated: 2023-07-31. Review status: criteria provided, single submitter. Criteria: Invitae Variant Classification Sherloc (09022015). Collection method: clinical testing. Allele origin: germline.
Comment: In summary, the available evidence is currently insufficient to determine the role of this variant in disease. Therefore, it has been classified as a Variant of Uncertain Significance. An algorithm developed to predict the effect of missense changes on protein structure and function (PolyPhen-2) suggests that this variant is likely to be disruptive. This variant has not been reported in the literature in individuals affected with MSH3-related conditions. This variant is not present in population databases (gnomAD no frequency). This sequence change replaces tyrosine, which is neutral and polar, with histidine, which is basic and polar, at codon 905 of the MSH3 protein (p.Tyr905His).

NM_002439.5(MSH3):c.2713T>C (p.Tyr905His)

Gene: MSH3 (mutS homolog 3; plus strand). Cytogenetic location: 5q14.1.
Variant type: single nucleotide variant.
Coding change: c.2713T>C on transcript NM_002439.5 (MANE Select); coding-DNA position 2713, T replaced by C.
Protein change: p.Tyr905His; replaces tyrosine 905 with histidine.
Molecular consequence: missense variant.
Genome position (GRCh38, 1-based): chr5:80,813,641, T>C. VCF-style: chr5-80813641-T-C. GRCh37 (hg19) VCF-style: chr5-80109460-T-C.
Other names: short protein forms Y905H.
Identifiers: ClinVar variation 2748593 (VCV002748593.3), dbSNP rs2546797333, ClinGen allele CA360273924.